The following is an entry in ClinVar:

ClinVar aggregate classification (germline): Uncertain significance (1 of 4 stars; one submission).

Submission:

GeneDx
Classification: Uncertain significance. Last evaluated: 2022-12-19. Review status: criteria provided, single submitter. Criteria: GeneDx Variant Classification Process June 2021. Collection method: clinical testing. Allele origin: germline. Affected: yes.
Comment: Not observed at significant frequency in large population cohorts (gnomAD); In silico analysis supports that this missense variant has a deleterious effect on protein structure/function; Has not been previously published as pathogenic or benign to our knowledge

NM_014712.3(SETD1A):c.4819G>A (p.Ala1607Thr)

Gene: SETD1A (SET domain containing 1A, histone lysine methyltransferase; plus strand). Cytogenetic location: 16p11.2.
Variant type: single nucleotide variant.
Coding change: c.4819G>A on transcript NM_014712.3 (MANE Select); coding-DNA position 4819, G replaced by A.
Protein change: p.Ala1607Thr; replaces alanine 1607 with threonine.
Molecular consequence: missense variant.
Genome position (GRCh38, 1-based): chr16:30,983,641, G>A. VCF-style: chr16-30983641-G-A. GRCh37 (hg19) VCF-style: chr16-30994962-G-A.
Other names: short protein forms A1607T.
Identifiers: ClinVar variation 2506807 (VCV002506807.1), dbSNP rs2543917610, ClinGen allele CA395635942.